The following is an entry in ClinVar:

ClinVar aggregate classification (germline): Uncertain significance (1 of 4 stars; one submission).

Conditions:
Hereditary cancer-predisposing syndrome. Also called: Tumor predisposition; Hereditary Cancer Syndrome; Neoplastic Syndromes, Hereditary; Hereditary neoplastic syndrome. Identifiers: Orphanet 140162, MedGen C0027672, MeSH D009386, MONDO:0015356.

Submission:

Ambry Genetics
Classification: Uncertain significance for Hereditary cancer-predisposing syndrome. Last evaluated: 2022-10-12. Review status: criteria provided, single submitter. Criteria: Ambry Variant Classification Scheme 2023. Collection method: clinical testing. Allele origin: germline.
Comment: The p.S860F variant (also known as c.2579C>T), located in coding exon 15 of the PMS2 gene, results from a C to T substitution at nucleotide position 2579. The serine at codon 860 is replaced by phenylalanine, an amino acid with highly dissimilar properties. This amino acid position is conserved. In addition, this alteration is predicted to be deleterious by in silico analysis. Since supporting evidence is limited at this time, the clinical significance of this alteration remains unclear.

NM_000535.7(PMS2):c.2579C>T (p.Ser860Phe)

Gene: PMS2 (PMS1 homolog 2, mismatch repair system component; minus strand). Cytogenetic location: 7p22.1.
Variant type: single nucleotide variant.
Coding change: c.2579C>T on transcript NM_000535.7 (MANE Select); coding-DNA position 2579, C replaced by T.
Protein change: p.Ser860Phe; replaces serine 860 with phenylalanine.
Molecular consequence: missense variant. On other transcripts: non-coding transcript variant (1).
Genome position (GRCh38, 1-based): chr7:5,973,409, G>A on the plus strand (C>T on the coding strand, the complement: PMS2 is on the minus strand). VCF-style: chr7-5973409-G-A. GRCh37 (hg19) VCF-style: chr7-6013040-G-A.
Other names: c.2174C>T, p.Ser725Phe (NM_001018040.1, NM_001322003.2, NM_001322004.2 and 12 more transcripts); c.2423C>T, p.Ser808Phe (NM_001322006.2); c.2261C>T, p.Ser754Phe (NM_001322007.2, NM_001322008.2, NM_001406883.1); c.2207C>T, p.Ser736Phe (NM_001322009.2, NM_001406887.1, NM_001406888.1); c.2018C>T, p.Ser673Phe (NM_001322010.2, NM_001406906.1, NM_001406907.1); c.1646C>T, p.Ser549Phe (NM_001322011.2, NM_001322012.2); c.2006C>T, p.Ser669Phe (NM_001322013.2, NM_001406908.1, NM_001406909.1); c.2612C>T, p.Ser871Phe (NM_001322014.2); and 20 more; short protein forms S669F, S725F, S736F, S748F, S754F, S768F, S794F, S812F.
Identifiers: ClinVar variation 1793338 (VCV001793338.2), dbSNP rs1583268744, ClinGen allele CA366734713.